The following is an entry in ClinVar:

NM_001903.5(CTNNA1):c.1438G>A (p.Ala480Thr)

Gene: CTNNA1 (catenin alpha 1; plus strand). Cytogenetic location: 5q31.2.
Variant type: single nucleotide variant.
Coding change: c.1438G>A on transcript NM_001903.5 (MANE Select); coding-DNA position 1438, G replaced by A.
Protein change: p.Ala480Thr; replaces alanine 480 with threonine.
Molecular consequence: missense variant. On other transcripts: 5 prime UTR variant (5).
Genome position (GRCh38, 1-based): chr5:138,917,790, G>A. VCF-style: chr5-138917790-G-A. GRCh37 (hg19) VCF-style: chr5-138253479-G-A.
Other names: c.328G>A, p.Ala110Thr (NM_001323990.1, NM_001323991.1, NM_001323992.1 and 17 more transcripts); c.1438G>A, p.Ala480Thr (NM_001290307.3, NM_001323982.2, NM_001323983.1 and 2 more transcripts); c.1129G>A, p.Ala377Thr (NM_001290309.3); c.1069G>A, p.Ala357Thr (NM_001290310.3); c.1345G>A, p.Ala449Thr (NM_001323986.2); c.-12G>A (NM_001324006.1, NM_001324007.1, NM_001324008.1 and 2 more transcripts); c.235G>A, p.Ala79Thr (NM_001324011.1); c.85G>A, p.Ala29Thr (NM_001324012.1, NM_001324013.1); short protein forms A377T, A79T, A110T, A449T, A29T, A357T, A480T.
Identifiers: ClinVar variation 1772649 (VCV001772649.4), dbSNP rs2533588729, ClinGen allele CA361137180.

ClinVar aggregate classification (germline): Uncertain significance. Review status: criteria provided, multiple submitters, no conflicts (2 of 4 stars). 2 submissions from 2 submitters: Uncertain significance (2). Last evaluated 2024-02-11.

Conditions:
Hereditary cancer-predisposing syndrome. Also called: Hereditary Cancer Syndrome; Hereditary neoplastic syndrome; Neoplastic Syndromes, Hereditary; Tumor predisposition. Identifiers: Orphanet 140162, MedGen C0027672, MeSH D009386, MONDO:0015356.

Allele frequency attached by ClinVar (database versions not stated): gnomAD exomes below 0.00001.
gnomAD v4.1: 1 of 1,614,130 alleles (0.000062%); highest among the groups gnomAD compares: South Asian, 0.0011%; no homozygotes.

Submissions (2):

Labcorp Genetics (formerly Invitae), Labcorp
Classification: Uncertain significance. Last evaluated: 2024-02-11. Review status: criteria provided, single submitter. Criteria: Invitae Variant Classification Sherloc (09022015). Collection method: clinical testing. Allele origin: germline.
Comment: This sequence change replaces alanine, which is neutral and non-polar, with threonine, which is neutral and polar, at codon 480 of the CTNNA1 protein (p.Ala480Thr). This variant is not present in population databases (gnomAD no frequency). This variant has not been reported in the literature in individuals affected with CTNNA1-related conditions. ClinVar contains an entry for this variant (Variation ID: 1772649). Advanced modeling of protein sequence and biophysical properties (such as structural, functional, and spatial information, amino acid conservation, physicochemical variation, residue mobility, and thermodynamic stability) performed at Invitae indicates that this missense variant is not expected to disrupt CTNNA1 protein function with a negative predictive value of 80%. In summary, the available evidence is currently insufficient to determine the role of this variant in disease. Therefore, it has been classified as a Variant of Uncertain Significance.

Ambry Genetics
Classification: Uncertain significance for Hereditary cancer-predisposing syndrome. Last evaluated: 2022-05-19. Review status: criteria provided, single submitter. Criteria: Ambry Variant Classification Scheme 2023. Collection method: clinical testing. Allele origin: germline.
Comment: The p.A480T variant (also known as c.1438G>A), located in coding exon 10 of the CTNNA1 gene, results from a G to A substitution at nucleotide position 1438. The alanine at codon 480 is replaced by threonine, an amino acid with similar properties. This amino acid position is conserved. In addition, this alteration is predicted to be deleterious by in silico analysis. Since supporting evidence is limited at this time, the clinical significance of this alteration remains unclear.